The following is an entry in ClinVar:

ClinVar aggregate classification (germline): Benign/Likely benign. Review status: criteria provided, multiple submitters, no conflicts (2 of 4 stars). 5 submissions from 5 submitters: Benign (2); Likely benign (3). Last evaluated 2026-01-07.

Conditions:
Diamond-Blackfan anemia 5 (DBA5). Also called: RPL35A-Related Diamond-Blackfan Anemia. Identifiers: Orphanet 124, MedGen C2675859, MONDO:0012925, OMIM 612528.

Allele frequency attached by ClinVar (database versions not stated): gnomAD exomes 0.00018 and 0.00050; ExAC 0.00068; gnomAD 0.00188 and 0.00199; TOPMed 0.00210; 1000 Genomes Project 0.00220; ESP Exome Variant Server 0.00277; 1000 Genomes Project 30x 0.00297.
gnomAD v4.1: 557 of 1,614,172 alleles (0.035%); highest among the groups gnomAD compares: African/African-American, 0.65%; no homozygotes.

Submissions (5):

Labcorp Genetics (formerly Invitae), Labcorp
Classification: Benign for Diamond-Blackfan anemia 5. Last evaluated: 2026-01-07. Review status: criteria provided, single submitter. Criteria: Invitae Variant Classification Sherloc (09022015). Collection method: clinical testing. Allele origin: germline.

Blueprint Genetics
Classification: Likely benign. Last evaluated: 2024-10-02. Review status: criteria provided, single submitter. Criteria: ACMG Guidelines, 2015. Collection method: clinical testing. Allele origin: germline.

GeneDx
Classification: Likely benign. Last evaluated: 2019-05-15. Review status: criteria provided, single submitter. Criteria: GeneDx Variant Classification Process June 2021. Collection method: clinical testing. Allele origin: germline. Affected: yes.

Illumina Laboratory Services, Illumina
Classification: Benign for Diamond-Blackfan anemia 5. Last evaluated: 2018-01-12. Review status: criteria provided, single submitter. Criteria: ICSL Variant Classification Criteria 13 December 2019. Collection method: clinical testing. Allele origin: germline.
Comment: This variant was observed in the ICSL laboratory as part of a predisposition screen in an ostensibly healthy population. It had not been previously curated by ICSL or reported in the Human Gene Mutation Database (HGMD: prior to June 1st, 2018), and was therefore a candidate for classification through an automated scoring system. Utilizing variant allele frequency, disease prevalence and penetrance estimates, and inheritance mode, an automated score was calculated to assess if this variant is too frequent to cause the disease. Based on the score and internal cut-off values, a variant classified as benign is not then subjected to further curation. The score for this variant resulted in a classification of benign for this disease.

Breakthrough Genomics
Classification: Likely benign. Review status: criteria provided, single submitter. Criteria: ACMG Guidelines, 2015. Collection method: not provided. Allele origin: germline. Inheritance: Autosomal dominant inheritance. Affected: yes.

NM_000996.4(RPL35A):c.266G>A (p.Arg89Gln)

Genes: DRC9 (dynein regulatory complex subunit 9; minus strand), RPL35A (ribosomal protein L35a; plus strand). Cytogenetic location: 3q29.
Variant type: single nucleotide variant.
Coding change: c.266G>A on transcript NM_000996.4 (MANE Select); coding-DNA position 266, G replaced by A.
Protein change: p.Arg89Gln; replaces arginine 89 with glutamine.
Molecular consequence: missense variant. On other transcripts: intron variant (3).
Genome position (GRCh38, 1-based): chr3:197,954,104, G>A. VCF-style: chr3-197954104-G-A. GRCh37 (hg19) VCF-style: chr3-197680975-G-A.
Other names: c.266G>A, p.Arg89Gln (NM_001316311.2); c.-50+5425C>T (NM_001323028.2); c.-60+5425C>T (NM_032263.5); c.-375+5425C>T (NM_001323029.2); short protein forms R89Q.
Identifiers: ClinVar variation 344529 (VCV000344529.17), dbSNP rs145244860, ClinGen allele CA2789217.